The following is an entry in ClinVar:

ClinVar aggregate classification (germline): Uncertain significance. Review status: criteria provided, multiple submitters, no conflicts (2 of 4 stars). 2 submissions from 2 submitters: Uncertain significance (2). Last evaluated 2025-09-07.

Conditions:
Cardiovascular phenotype. Identifiers: MedGen CN230736.
Hereditary cancer-predisposing syndrome. Also called: Hereditary Cancer Syndrome; Hereditary neoplastic syndrome; Neoplastic Syndromes, Hereditary; Tumor predisposition. Identifiers: Orphanet 140162, MedGen C0027672, MeSH D009386, MONDO:0015356.

Allele frequency attached by ClinVar (database versions not stated): gnomAD exomes below 0.00001.
gnomAD v4.1: 1 of 1,613,482 alleles (0.000062%); highest among the groups gnomAD compares: Non-Finnish European, 0.000085%; no homozygotes.

Submissions (2):

Ambry Genetics
Classification: Uncertain significance for Cardiovascular phenotype; Hereditary cancer-predisposing syndrome. Last evaluated: 2025-09-07. Review status: criteria provided, single submitter. Criteria: Ambry Variant Classification Scheme 2023. Collection method: clinical testing. Allele origin: germline.
Comment: The p.C427R variant (also known as c.1279T>C), located in coding exon 12 of the LZTR1 gene, results from a T to C substitution at nucleotide position 1279. The cysteine at codon 427 is replaced by arginine, an amino acid with highly dissimilar properties. This amino acid position is highly conserved in available vertebrate species. In addition, this alteration is predicted to be deleterious by in silico analysis. Based on the available evidence, the clinical significance of this variant remains unclear.

Labcorp Genetics (formerly Invitae), Labcorp
Classification: Uncertain significance. Last evaluated: 2022-12-14. Review status: criteria provided, single submitter. Criteria: Invitae Variant Classification Sherloc (09022015). Collection method: clinical testing. Allele origin: germline.
Comment: ClinVar contains an entry for this variant (Variation ID: 1767412). This sequence change replaces cysteine, which is neutral and slightly polar, with arginine, which is basic and polar, at codon 427 of the LZTR1 protein (p.Cys427Arg). This variant is present in population databases (no rsID available, gnomAD 0.0009%). This variant has not been reported in the literature in individuals affected with LZTR1-related conditions. Advanced modeling of protein sequence and biophysical properties (such as structural, functional, and spatial information, amino acid conservation, physicochemical variation, residue mobility, and thermodynamic stability) performed at Invitae indicates that this missense variant is not expected to disrupt LZTR1 protein function. In summary, the available evidence is currently insufficient to determine the role of this variant in disease. Therefore, it has been classified as a Variant of Uncertain Significance.

NM_006767.4(LZTR1):c.1279T>C (p.Cys427Arg)

Gene: LZTR1 (leucine zipper like post translational regulator 1; plus strand). Cytogenetic location: 22q11.21.
Variant type: single nucleotide variant.
Coding change: c.1279T>C on transcript NM_006767.4 (MANE Select); coding-DNA position 1279, T replaced by C.
Protein change: p.Cys427Arg; replaces cysteine 427 with arginine.
Molecular consequence: missense variant.
Genome position (GRCh38, 1-based): chr22:20,993,680, T>C. VCF-style: chr22-20993680-T-C. GRCh37 (hg19) VCF-style: chr22-21347969-T-C.
Other names: short protein forms C427R.
Identifiers: ClinVar variation 1767412 (VCV001767412.6), dbSNP rs1317381003, ClinGen allele CA410774348.